The following is an entry in ClinVar:

NM_016247.4(IMPG2):c.3633+6A>G

Gene: IMPG2 (interphotoreceptor matrix proteoglycan 2; minus strand). Cytogenetic location: 3q12.3.
Variant type: single nucleotide variant.
Coding change: c.3633+6A>G on transcript NM_016247.4 (MANE Select); 6 bases into the intron after coding-DNA position 3633, A replaced by G.
Molecular consequence: intron variant.
Genome position (GRCh38, 1-based): chr3:101,229,374, T>C on the plus strand (A>G on the coding strand, the complement: IMPG2 is on the minus strand). VCF-style: chr3-101229374-T-C. GRCh37 (hg19) VCF-style: chr3-100948218-T-C.
Identifiers: ClinVar variation 1462008 (VCV001462008.6), dbSNP rs2107203848, ClinGen allele CA2573136390.

ClinVar aggregate classification (germline): Uncertain significance (1 of 4 stars; one submission).

Submission:

Labcorp Genetics (formerly Invitae), Labcorp
Classification: Uncertain significance. Last evaluated: 2023-11-27. Review status: criteria provided, single submitter. Criteria: Invitae Variant Classification Sherloc (09022015). Collection method: clinical testing. Allele origin: germline.
Comment: This sequence change falls in intron 17 of the IMPG2 gene. It does not directly change the encoded amino acid sequence of the IMPG2 protein. It affects a nucleotide within the consensus splice site. This variant is not present in population databases (gnomAD no frequency). This variant has not been reported in the literature in individuals affected with IMPG2-related conditions. ClinVar contains an entry for this variant (Variation ID: 1462008). Variants that disrupt the consensus splice site are a relatively common cause of aberrant splicing (PMID: 17576681, 9536098). Algorithms developed to predict the effect of sequence changes on RNA splicing suggest that this variant is not likely to affect RNA splicing. In summary, the available evidence is currently insufficient to determine the role of this variant in disease. Therefore, it has been classified as a Variant of Uncertain Significance.

Literature cited by the submitters: PubMed 17576681; PubMed 9536098.